The following is an entry in ClinVar:

ClinVar aggregate classification (germline): Uncertain significance (1 of 4 stars; one submission).

Conditions:
PEX13-related disorder. Also called: PEX13-related condition; PEX13-related disorders.

gnomAD v4.1: 1 of 1,614,164 alleles (0.000062%); highest among the groups gnomAD compares: Non-Finnish European, 0.000085%; no homozygotes.

Submission:

PreventionGenetics, part of Exact Sciences
Classification: Uncertain significance for PEX13-related condition. Last evaluated: 2025-06-13. Review status: criteria provided, single submitter. Criteria: ACMG Guidelines, 2015. Collection method: clinical testing. Allele origin: germline.
Comment: The PEX13 c.348T>G variant is predicted to result in the amino acid substitution p.Ser116Arg. To our knowledge, this variant has not been reported in the literature or in a large population database (gnomAD), indicating this variant is rare. At this time, the clinical significance of this variant is uncertain due to the absence of conclusive functional and genetic evidence.

NM_002618.4(PEX13):c.348T>G (p.Ser116Arg)

Gene: PEX13 (peroxisomal biogenesis factor 13; plus strand). Cytogenetic location: 2p15.
Variant type: single nucleotide variant.
Coding change: c.348T>G on transcript NM_002618.4 (MANE Select); coding-DNA position 348, T replaced by G.
Protein change: p.Ser116Arg; replaces serine 116 with arginine.
Molecular consequence: missense variant.
Genome position (GRCh38, 1-based): chr2:61,031,674, T>G. VCF-style: chr2-61031674-T-G. GRCh37 (hg19) VCF-style: chr2-61258809-T-G.
Other names: short protein forms S116R.
Identifiers: ClinVar variation 5000408 (VCV005000408.1).